The following is an entry in ClinVar:

NM_018418.5(SPATA7):c.1080dup (p.Asp361Ter)

Gene: SPATA7 (spermatogenesis associated 7; plus strand). Cytogenetic location: 14q31.3.
Variant type: Duplication.
Coding change: c.1080dup on transcript NM_018418.5 (MANE Select); coding-DNA position 1080, one base duplicated (T; older notation c.1080dupT).
Protein change: p.Asp361Ter; replaces aspartic acid 361 with a stop codon.
Molecular consequence: nonsense.
Genome position (GRCh38, 1-based): chr14:88,431,223, T duplicated. VCF-style (leftmost placement, unchanged base first): chr14-88431222-C-CT. GRCh37 (hg19) VCF-style: chr14-88897566-C-CT.
Other names: p.Asp361Ter; c.984dup, p.Asp329Ter (NM_001040428.4); short protein forms D329*, D361*.
Identifiers: ClinVar variation 4849652 (VCV004849652.1).

ClinVar aggregate classification (germline): Likely pathogenic (1 of 4 stars; one submission).

Conditions:
Leber congenital amaurosis 3 (LCA3). Also called: SPATA7-Related Retinitis Pigmentosa. Identifiers: MedGen C1858677, MONDO:0011415, OMIM 604232.

Submission:

Medical Molecular Genetics Department, National Research Center
Classification: Likely pathogenic for Leber congenital amaurosis 3. Last evaluated: 2026-03-01. Review status: criteria provided, single submitter. Criteria: ACMG Guidelines, 2015. Collection method: research. Allele origin: germline. Affected: yes. Observed: 1 variant allele.
Comment: SPATA7 c.1080dup (p.Asp361Ter): Nonsense (null variant). Absent from gnomAD. Established loss-of-function mechanism. Classified Likely pathogenic (PVS1,PM2)